The following is an entry in ClinVar:

NM_014739.3(BCLAF1):c.939T>G (p.Asp313Glu)

Gene: BCLAF1 (BCL2 associated transcription factor 1; minus strand). Cytogenetic location: 6q23.3.
Variant type: single nucleotide variant.
Coding change: c.939T>G on transcript NM_014739.3 (MANE Select); coding-DNA position 939, T replaced by G.
Protein change: p.Asp313Glu; replaces aspartic acid 313 with glutamic acid.
Molecular consequence: missense variant. On other transcripts: non-coding transcript variant (7).
Genome position (GRCh38, 1-based): chr6:136,277,942, A>C on the plus strand (T>G on the coding strand, the complement: BCLAF1 is on the minus strand). VCF-style: chr6-136277942-A-C. GRCh37 (hg19) VCF-style: chr6-136599080-A-C.
Other names: c.933T>G, p.Asp311Glu (NM_001077440.3, NM_001301038.3, NM_001386696.1 and 2 more transcripts); c.939T>G, p.Asp313Glu (NM_001077441.3, NM_001363659.3, NM_001386693.1 and 8 more transcripts); short protein forms D311E, D313E.
Identifiers: ClinVar variation 1766806 (VCV001766806.2), dbSNP rs2483184538, ClinGen allele CA365756205.

ClinVar aggregate classification (germline): Uncertain significance (1 of 4 stars; one submission).

Submission:

Ambry Genetics
Classification: Uncertain significance. Last evaluated: 2022-01-18. Review status: criteria provided, single submitter. Criteria: Ambry Variant Classification Scheme 2023. Collection method: clinical testing. Allele origin: germline.
Comment: The p.D313E variant (also known as c.939T>G), located in coding exon 2 of the BCLAF1 gene, results from a T to G substitution at nucleotide position 939. The aspartic acid at codon 313 is replaced by glutamic acid, an amino acid with highly similar properties. This amino acid position is conserved. In addition, this alteration is predicted to be tolerated by in silico analysis. Since supporting evidence is limited at this time, the clinical significance of this alteration remains unclear.